The following is an entry in ClinVar:

ClinVar aggregate classification (germline): Uncertain significance (1 of 4 stars; one submission).

Conditions:
Hereditary cancer-predisposing syndrome. Also called: Neoplastic Syndromes, Hereditary; Hereditary Cancer Syndrome; Tumor predisposition; Hereditary neoplastic syndrome. Identifiers: Orphanet 140162, MedGen C0027672, MeSH D009386, MONDO:0015356.

Submission:

Ambry Genetics
Classification: Uncertain significance for Hereditary cancer-predisposing syndrome. Last evaluated: 2023-02-04. Review status: criteria provided, single submitter. Criteria: Ambry Variant Classification Scheme 2023. Collection method: clinical testing. Allele origin: germline.
Comment: The p.E889D variant (also known as c.2667A>T), located in coding exon 19 of the TSC1 gene, results from an A to T substitution at nucleotide position 2667. The glutamic acid at codon 889 is replaced by aspartic acid, an amino acid with highly similar properties. This amino acid position is conserved. In addition, the in silico prediction for this alteration is inconclusive. Since supporting evidence is limited at this time, the clinical significance of this alteration remains unclear.

NM_000368.5(TSC1):c.2667A>T (p.Glu889Asp)

Gene: TSC1 (TSC complex subunit 1; minus strand). Cytogenetic location: 9q34.13.
Variant type: single nucleotide variant.
Coding change: c.2667A>T on transcript NM_000368.5 (MANE Select); coding-DNA position 2667, A replaced by T.
Protein change: p.Glu889Asp; replaces glutamic acid 889 with aspartic acid.
Molecular consequence: missense variant. On other transcripts: non-coding transcript variant (5).
Genome position (GRCh38, 1-based): chr9:132,897,569, T>A on the plus strand (A>T on the coding strand, the complement: TSC1 is on the minus strand). VCF-style: chr9-132897569-T-A. GRCh37 (hg19) VCF-style: chr9-135772956-T-A.
Other names: c.2664A>T, p.Glu888Asp (NM_001162426.2, NM_001406597.1, NM_001406598.1 and 2 more transcripts); c.2514A>T, p.Glu838Asp (NM_001162427.2, NM_001406610.1); c.2304A>T, p.Glu768Asp (NM_001362177.2, NM_001406614.1, NM_001406615.1 and 4 more transcripts); c.2667A>T, p.Glu889Asp (NM_001406592.1, NM_001406593.1, NM_001406594.1 and 2 more transcripts); c.2652A>T, p.Glu884Asp (NM_001406601.1, NM_001406602.1); c.2649A>T, p.Glu883Asp (NM_001406603.1, NM_001406604.1); c.2625A>T, p.Glu875Asp (NM_001406605.1, NM_001406606.1, NM_001406607.1); c.2622A>T, p.Glu874Asp (NM_001406608.1, NM_001406609.1); and 8 more; short protein forms E571D, E754D, E883D, E888D, E538D, E768D, E875D, E889D.
Identifiers: ClinVar variation 2447889 (VCV002447889.2), dbSNP rs1554813546, ClinGen allele CA375369565.